The following is an entry in ClinVar:

NM_001035.3(RYR2):c.9147C>A (p.Gly3049=)

Gene: RYR2 (ryanodine receptor 2; plus strand). Cytogenetic location: 1q43.
Variant type: single nucleotide variant.
Coding change: c.9147C>A on transcript NM_001035.3 (MANE Select); coding-DNA position 9147, C replaced by A.
Protein change: p.Gly3049=; no amino-acid change (glycine 3049 retained).
Molecular consequence: synonymous variant.
Genome position (GRCh38, 1-based): chr1:237,700,247, C>A. VCF-style: chr1-237700247-C-A. GRCh37 (hg19) VCF-style: chr1-237863547-C-A.
Identifiers: ClinVar variation 3385813 (VCV003385813.1).

ClinVar aggregate classification (germline): Likely benign (1 of 4 stars; one submission).

Conditions:
Catecholaminergic polymorphic ventricular tachycardia (CVPT). Also called: Catecholamine-induced polymorphic ventricular tachycardia. Identifiers: Orphanet 3286, MedGen C5574922, MONDO:0017990.

gnomAD v4.1: 2 of 1,568,432 alleles (0.00013%); highest among the groups gnomAD compares: African/African-American, 0.0014%; no homozygotes.

Submission:

All of Us Research Program, National Institutes of Health
Classification: Likely benign for Catecholaminergic polymorphic ventricular tachycardia. Last evaluated: 2024-05-14. Review status: criteria provided, single submitter. Criteria: ACMG Guidelines, 2015. Collection method: clinical testing. Allele origin: germline. Inheritance: Autosomal dominant inheritance. Observed: 1 variant allele, 1 heterozygote.
Comment: This study involves interpretation of variants in research participants for the purpose of population health screening. Participant phenotype was not available at the time of variant classification. Additional details can be found in publication PMID: 35346344, PMCID: PMC8962531